The following is an entry in ClinVar:

ClinVar aggregate classification (germline): Benign. Review status: criteria provided, multiple submitters, no conflicts (2 of 4 stars). 2 submissions from 2 submitters: Benign (2). Last evaluated 2018-06-14.

Allele frequency attached by ClinVar (database versions not stated): gnomAD exomes 0.02082 and 0.02191; ExAC 0.02480; gnomAD 0.03667; ESP Exome Variant Server 0.03867; 1000 Genomes Project 0.03894; TOPMed 0.03995; 1000 Genomes Project 30x 0.04091.
gnomAD v4.1: 36,126 of 1,610,762 alleles (2.2%); highest among the groups gnomAD compares: African/African-American, 8.8%; 653 homozygotes.

Submissions (2):

GeneDx
Classification: Benign. Last evaluated: 2018-06-14. Review status: criteria provided, single submitter. Criteria: GeneDx Variant Classification (06012015). Collection method: clinical testing. Allele origin: germline. Affected: yes.
Comment: This variant is considered likely benign or benign based on one or more of the following criteria: it is a conservative change, it occurs at a poorly conserved position in the protein, it is predicted to be benign by multiple in silico algorithms, and/or has population frequency not consistent with disease.

Breakthrough Genomics
Classification: Benign. Review status: criteria provided, single submitter. Criteria: ACMG Guidelines, 2015. Collection method: not provided. Allele origin: germline. Inheritance: Autosomal dominant inheritance. Affected: yes.

NM_000093.5(COL5A1):c.1165-39G>A

Gene: COL5A1 (collagen type V alpha 1 chain; plus strand). Cytogenetic location: 9q34.3.
Variant type: single nucleotide variant.
Coding change: c.1165-39G>A on transcript NM_000093.5 (MANE Select); 39 bases into the intron before coding-DNA position 1165, G replaced by A.
Molecular consequence: intron variant.
Genome position (GRCh38, 1-based): chr9:134,731,457, G>A. VCF-style: chr9-134731457-G-A. GRCh37 (hg19) VCF-style: chr9-137623303-G-A.
Other names: c.1165-39G>A (NM_001278074.1).
Identifiers: ClinVar variation 675264 (VCV000675264.2), dbSNP rs76548907, ClinGen allele CA5318659.